The following is an entry in ClinVar:

ClinVar aggregate classification (germline): Benign. Review status: criteria provided, multiple submitters, no conflicts (2 of 4 stars). 3 submissions from 3 submitters: Benign (3). Last evaluated 2026-02-04.

Allele frequency attached by ClinVar (database versions not stated): TOPMed 0.34286; gnomAD exomes 0.35153 and 0.40571; 1000 Genomes Project 30x 0.39881; ESP Exome Variant Server 0.29955; gnomAD 0.33240 and 0.32217; ExAC 0.39307; 1000 Genomes Project 0.40435.

Submissions (3):

Labcorp Genetics (formerly Invitae), Labcorp
Classification: Benign. Last evaluated: 2026-02-04. Review status: criteria provided, single submitter. Criteria: Invitae Variant Classification Sherloc (09022015). Collection method: clinical testing. Allele origin: germline.

GeneDx
Classification: Benign. Last evaluated: 2011-07-05. Review status: criteria provided, single submitter. Criteria: GeneDx Variant Classification (06012015). Collection method: clinical testing. Allele origin: germline. Affected: yes.
Comment: This variant is considered likely benign or benign based on one or more of the following criteria: it is a conservative change, it occurs at a poorly conserved position in the protein, it is predicted to be benign by multiple in silico algorithms, and/or has population frequency not consistent with disease.

Laboratory for Molecular Medicine, Mass General Brigham Personalized Medicine
Classification: Benign. Last evaluated: 2008-02-19. Review status: criteria provided, single submitter. Criteria: LMM Criteria. Collection method: clinical testing. Allele origin: germline. Observed: 254 variant alleles.

NM_206933.4(USH2A):c.6317= (p.Ile2106=)

Gene: USH2A (usherin; minus strand). Cytogenetic location: 1q41.
Variant type: single nucleotide variant.
Coding change: c.6317= on transcript NM_206933.4 (MANE Select); coding-DNA position 6317, no change from the reference sequence.
Protein change: p.Ile2106=; no amino-acid change (isoleucine 2106 retained).
Molecular consequence: no sequence alteration.
Genome position: GRCh38 VCF-style: chr1-216046439-A-A. GRCh37 (hg19) VCF-style: chr1-216219781-A-A.
Other names: p.T2106I:ACA>ATA.
Identifiers: ClinVar variation 137895 (VCV000137895.17), dbSNP rs6657250.